The following is an entry in ClinVar:

NM_206933.4(USH2A):c.9886G>A (p.Gly3296Ser)

Gene: USH2A (usherin; minus strand). Cytogenetic location: 1q41.
Variant type: single nucleotide variant.
Coding change: c.9886G>A on transcript NM_206933.4 (MANE Select); coding-DNA position 9886, G replaced by A.
Protein change: p.Gly3296Ser; replaces glycine 3296 with serine.
Molecular consequence: missense variant.
Genome position (GRCh38, 1-based): chr1:215,798,979, C>T on the plus strand (G>A on the coding strand, the complement: USH2A is on the minus strand). VCF-style: chr1-215798979-C-T. GRCh37 (hg19) VCF-style: chr1-215972321-C-T.
Other names: short protein forms G3296S.
Identifiers: ClinVar variation 1044164 (VCV001044164.6), dbSNP rs371149685, ClinGen allele CA1394187.

ClinVar aggregate classification (germline): Uncertain significance (1 of 4 stars; one submission).

Allele frequency attached by ClinVar (database versions not stated): gnomAD 0.00001; ESP Exome Variant Server 0.00008; gnomAD exomes 0.00001; TOPMed below 0.00001; ExAC 0.00002.
gnomAD v4.1: 10 of 1,614,006 alleles (0.00062%); highest among the groups gnomAD compares: African/African-American, 0.0013%; no homozygotes.

Submission:

Labcorp Genetics (formerly Invitae), Labcorp
Classification: Uncertain significance. Last evaluated: 2021-08-27. Review status: criteria provided, single submitter. Criteria: Invitae Variant Classification Sherloc (09022015). Collection method: clinical testing. Allele origin: germline.
Comment: This sequence change replaces glycine with serine at codon 3296 of the USH2A protein (p.Gly3296Ser). The glycine residue is highly conserved and there is a small physicochemical difference between glycine and serine. This variant is present in population databases (rs371149685, ExAC 0.01%). This variant has not been reported in the literature in individuals affected with USH2A-related conditions. Algorithms developed to predict the effect of missense changes on protein structure and function are either unavailable or do not agree on the potential impact of this missense change (SIFT: "Deleterious"; PolyPhen-2: "Probably Damaging"; Align-GVGD: "Class C0"). In summary, the available evidence is currently insufficient to determine the role of this variant in disease. Therefore, it has been classified as a Variant of Uncertain Significance.